The following is an entry in ClinVar:

NM_001365276.2(TNXB):c.10147G>A (p.Asp3383Asn)

Gene: TNXB (tenascin XB; minus strand). Cytogenetic location: 6p21.33.
Variant type: single nucleotide variant.
Coding change: c.10147G>A on transcript NM_001365276.2 (MANE Select); coding-DNA position 10147, G replaced by A.
Protein change: p.Asp3383Asn; replaces aspartic acid 3383 with asparagine.
Molecular consequence: missense variant.
Genome position (GRCh38, 1-based): chr6:32,047,911, C>T on the plus strand (G>A on the coding strand, the complement: TNXB is on the minus strand). VCF-style: chr6-32047911-C-T. GRCh37 (hg19) VCF-style: chr6-32015688-C-T.
Other names: c.10141G>A, p.Asp3381Asn (NM_019105.8); short protein forms D3381N, D3383N.
Identifiers: ClinVar variation 1737776 (VCV001737776.3), dbSNP rs754446472, ClinGen allele CA3733291.

ClinVar aggregate classification (germline): Uncertain significance. Review status: criteria provided, multiple submitters, no conflicts (2 of 4 stars). 2 submissions from 2 submitters: Uncertain significance (2). Last evaluated 2026-01-06.

Conditions:
Cardiovascular phenotype. Identifiers: MedGen CN230736.

Allele frequency attached by ClinVar (database versions not stated): TOPMed 0.00002; ExAC 0.00003.
gnomAD v4.1: 58 of 1,612,570 alleles (0.0036%); highest among the groups gnomAD compares: East Asian, 0.056%; no homozygotes.

Submissions (2):

Women's Health and Genetics/Laboratory Corporation of America, LabCorp
Classification: Uncertain significance. Last evaluated: 2026-01-06. Review status: criteria provided, single submitter. Criteria: LabCorp Variant Classification Summary - May 2015. Collection method: clinical testing. Allele origin: germline.
Comment: Variant summary: TNXB c.10141G>A (p.Asp3381Asn) results in a conservative amino acid change in the encoded protein sequence. Algorithms developed to predict the effect of missense changes on protein structure and function all suggest that this variant is likely to be tolerated. The variant allele was found at a frequency of 2.9e-05 in 245442 control chromosomes. The available data on variant occurrences in the general population are insufficient to allow any conclusion about variant significance. To our knowledge, no occurrence of c.10141G>A in individuals affected with TNXB-related conditions and no experimental evidence demonstrating its impact on protein function have been reported. ClinVar contains an entry for this variant (Variation ID: 1737776). Based on the evidence outlined above, the variant was classified as uncertain significance.

Ambry Genetics
Classification: Uncertain significance for Cardiovascular phenotype. Last evaluated: 2022-02-09. Review status: criteria provided, single submitter. Criteria: Ambry Variant Classification Scheme 2023. Collection method: clinical testing. Allele origin: germline.
Comment: The p.D3381N variant (also known as c.10141G>A), located in coding exon 29 of the TNXB gene, results from a G to A substitution at nucleotide position 10141. The aspartic acid at codon 3381 is replaced by asparagine, an amino acid with highly similar properties. This amino acid position is highly conserved in available vertebrate species. In addition, this alteration is predicted to be tolerated by in silico analysis. Since supporting evidence is limited at this time, the clinical significance of this alteration remains unclear.